The following is an entry in ClinVar:

ClinVar aggregate classification (germline): Uncertain significance. Review status: criteria provided, multiple submitters, no conflicts (2 of 4 stars). 4 submissions from 4 submitters: Uncertain significance (3). 1 of the submissions does not count toward it. Last evaluated 2024-10-01.

Conditions:
Retinitis pigmentosa 25 (RP25). Identifiers: Orphanet 791, MedGen C1864446, MONDO:0011272, OMIM 602772.
Inborn genetic diseases. Identifiers: MedGen C0950123, MeSH D030342.

Allele frequency attached by ClinVar (database versions not stated): ExAC 0.00009; gnomAD 0.00002; gnomAD exomes 0.00002; TOPMed 0.00002.
gnomAD v4.1: 28 of 1,551,610 alleles (0.0018%); highest among the groups gnomAD compares: Non-Finnish European, 0.002%; no homozygotes.

Submissions (4):

Blueprint Genetics
Classification: Uncertain significance. Last evaluated: 2024-10-01. Review status: criteria provided, single submitter. Criteria: ACMG Guidelines, 2015. Collection method: clinical testing. Allele origin: germline.

Ambry Genetics
Classification: Uncertain significance for Inborn genetic diseases. Last evaluated: 2024-09-11. Review status: criteria provided, single submitter. Criteria: Ambry Variant Classification Scheme 2023. Collection method: clinical testing. Allele origin: germline.

Labcorp Genetics (formerly Invitae), Labcorp
Classification: Uncertain significance. Last evaluated: 2021-08-28. Review status: criteria provided, single submitter. Criteria: Invitae Variant Classification Sherloc (09022015). Collection method: clinical testing. Allele origin: germline.
Comment: This sequence change replaces glutamine with glutamic acid at codon 2931 of the EYS protein (p.Gln2931Glu). The glutamine residue is moderately conserved and there is a small physicochemical difference between glutamine and glutamic acid. This variant is present in population databases (rs774179534, ExAC 0.06%). This variant has not been reported in the literature in individuals affected with EYS-related conditions. Algorithms developed to predict the effect of missense changes on protein structure and function output the following: SIFT: "Tolerated"; PolyPhen-2: "Benign"; Align-GVGD: "Class C0". The glutamic acid amino acid residue is found in multiple mammalian species, which suggests that this missense change does not adversely affect protein function. In summary, the available evidence is currently insufficient to determine the role of this variant in disease. Therefore, it has been classified as a Variant of Uncertain Significance.

Natera, Inc.
Classification: Uncertain significance for Retinitis pigmentosa type 25. Last evaluated: 2020-04-16. Review status: no assertion criteria provided. Collection method: clinical testing. Allele origin: germline. Not counted in ClinVar's aggregate classification.

NM_001142800.2(EYS):c.8791C>G (p.Gln2931Glu)

Genes: EYS (EGF-like photoreceptor maintenance factor; minus strand), PHF3 (PHD finger protein 3; plus strand). Cytogenetic location: 6q12.
Variant type: single nucleotide variant.
Coding change: c.8791C>G on transcript NM_001142800.2 (MANE Select); coding-DNA position 8791, C replaced by G.
Protein change: p.Gln2931Glu; replaces glutamine 2931 with glutamic acid.
Molecular consequence: missense variant. On other transcripts: 3 prime UTR variant (5).
Genome position (GRCh38, 1-based): chr6:63,721,240, G>C on the plus strand (C>G on the coding strand, the complement: EYS is on the minus strand). VCF-style: chr6-63721240-G-C. GRCh37 (hg19) VCF-style: chr6-64431136-G-C.
Other names: c.8791C>G (NM_001142800.1); c.*7532G>C (NM_001290259.2, NM_001370348.2, NM_001370349.2 and 2 more transcripts); c.8854C>G, p.Gln2952Glu (NM_001292009.2); short protein forms Q2931E, Q2952E.
Identifiers: ClinVar variation 1025184 (VCV001025184.9), dbSNP rs774179534, ClinGen allele CA3876691.
Genomic context (GRCh38, chr6:63,721,240, plus strand): 5'-TGTTTTCACAATACCTTCCCACCCAACCCAAAGTACACAGGCAACTGTAAGAAAATGATT[G>C]GTCAGGTATACATAAAGATTGGTGGAGGCAAAGATTATTCAAACAGGACACAGACTGGTT-3'
Protein context (NP_001136272.1, residues 2921-2941): CLHQSLCIPD[Gln2931Glu]SFSYSCLCTL